The following is an entry in ClinVar:

ClinVar aggregate classification (germline): Conflicting classifications of pathogenicity. Review status: criteria provided, conflicting classifications (1 of 4 stars). 3 submissions from 3 submitters: Uncertain significance (1); Benign (1); Likely benign (1). Last evaluated 2021-07-08.

Conditions:
Cardiovascular phenotype. Identifiers: MedGen CN230736.
Carpal tunnel syndrome 1 (CTS1). Also called: Carpal tunnel syndrome, familial. Identifiers: MedGen C5779776, MONDO:0020730, OMIM 115430.
Hyperthyroxinemia, dystransthyretinemic. Also called: HYPERTHYROXINEMIA, DYSPREALBUMINEMIC; EUTHRYROIDAL HYPERTHYROXINEMIA 2. Identifiers: MedGen C2750824, MONDO:0007785, OMIM 145680.
Amyloidosis, hereditary systemic 1 (AMYLD1). Also called: Familial amyloid polyneuropathy; Transthyretin Amyloidosis; AMYLOID CARDIOMYOPATHY; Hereditary Transthyretin Amyloidosis; Isolated Cardiac Amyloidosis; Amyloid Cardiomyopathy, Transthyretin-related. Identifiers: Orphanet 85447, Orphanet 85451, MedGen C2751492, MONDO:0971004, OMIM 105210.

Allele frequency attached by ClinVar (database versions not stated): ExAC 0.00001; gnomAD exomes 0.00001 and 0.00002; TOPMed 0.00002; gnomAD 0.00003.
gnomAD v4.1: 34 of 1,614,012 alleles (0.0021%); highest among the groups gnomAD compares: Non-Finnish European, 0.0029%; no homozygotes.

Submissions (3):

Fulgent Genetics
Classification: Likely benign for Amyloidosis, hereditary systemic 1; Carpal tunnel syndrome 1; Hyperthyroxinemia, dystransthyretinemic. Last evaluated: 2021-07-08. Review status: criteria provided, single submitter. Criteria: ACMG Guidelines, 2015. Collection method: clinical testing. Allele origin: unknown.

Ambry Genetics
Classification: Uncertain significance for Cardiovascular phenotype. Last evaluated: 2018-11-01. Review status: criteria provided, single submitter. Criteria: Ambry Variant Classification Scheme 2023. Collection method: clinical testing. Allele origin: germline.
Comment: The c.-15C>T variant is located in the 5' untranslated region (5&rsquo; UTR) of the TTR gene. This variant results from a C to T substitution 15 bases upstream from the first translated codon. This nucleotide position is not well conserved in available vertebrate species. Since supporting evidence is limited at this time, the clinical significance of this alteration remains unclear.

GeneDx
Classification: Benign. Last evaluated: 2015-07-27. Review status: criteria provided, single submitter. Criteria: GeneDx Variant Classification Process June 2021. Collection method: clinical testing. Allele origin: germline. Affected: yes.

NM_000371.4(TTR):c.-15C>T

Gene: TTR (transthyretin; plus strand). Cytogenetic location: 18q12.1.
Variant type: single nucleotide variant.
Coding change: c.-15C>T on transcript NM_000371.4 (MANE Select); 15 bases upstream of the start codon, C replaced by T.
Molecular consequence: 5 prime UTR variant.
Genome position (GRCh38, 1-based): chr18:31,591,888, C>T. VCF-style: chr18-31591888-C-T. GRCh37 (hg19) VCF-style: chr18-29171851-C-T.
Identifiers: ClinVar variation 1230561 (VCV001230561.6), dbSNP rs746692906, ClinGen allele CA8928369.